The following is an entry in ClinVar:

ClinVar aggregate classification (germline): Likely benign (1 of 4 stars; one submission).

Conditions:
GFRA1-related disorder. Also called: GFRA1-related condition.

gnomAD v4.1: 139 of 1,613,370 alleles (0.0086%); highest among the groups gnomAD compares: African/African-American, 0.13%; no homozygotes.

Submission:

PreventionGenetics, part of Exact Sciences
Classification: Likely benign for GFRA1-related condition. Last evaluated: 2025-03-19. Review status: criteria provided, single submitter. Criteria: ACMG Guidelines, 2015. Collection method: clinical testing. Allele origin: germline.
Comment: This variant is classified as likely benign based on ACMG/AMP sequence variant interpretation guidelines (Richards et al. 2015 PMID: 25741868, with internal and published modifications).

NM_005264.8(GFRA1):c.960C>T (p.Asn320=)

Gene: GFRA1 (GDNF family receptor alpha 1; minus strand). Cytogenetic location: 10q25.3.
Variant type: single nucleotide variant.
Coding change: c.960C>T on transcript NM_005264.8 (MANE Select); coding-DNA position 960, C replaced by T.
Protein change: p.Asn320=; no amino-acid change (asparagine 320 retained).
Molecular consequence: synonymous variant.
Genome position (GRCh38, 1-based): chr10:116,093,757, G>A on the plus strand (C>T on the coding strand, the complement: GFRA1 is on the minus strand). VCF-style: chr10-116093757-G-A. GRCh37 (hg19) VCF-style: chr10-117853268-G-A.
Other names: c.945C>T, p.Asn315= (NM_001145453.4, NM_001348096.3, NM_001382556.2 and 6 more transcripts); c.960C>T, p.Asn320= (NM_001348098.4); c.597C>T, p.Asn199= (NM_001348099.3).
Identifiers: ClinVar variation 4984076 (VCV004984076.1).
Genomic context (GRCh38, chr10:116,093,757, plus strand): 5'-CTCACTAAGACATGTATTGTCCTTGAAGAAATTCAAAAATTTCAAGCACTCTTCTAGGTC[G>A]TTCCCACTGTTGCTGCAGTCACACCATGGGGCCACACTGAGGCTACTGGAGTCTATGTAG-3'
Protein context (NP_005255.1, residues 310-330): APWCDCSNSG[Asn320=]DLEECLKFLN